The following is an entry in ClinVar:

ClinVar aggregate classification (germline): Benign/Likely benign. Review status: criteria provided, multiple submitters, no conflicts (2 of 4 stars). 5 submissions from 5 submitters: Benign (1); Likely benign (4). Last evaluated 2025-09-11.

Conditions:
Inborn genetic diseases. Identifiers: MedGen C0950123, MeSH D030342.
Progressive sclerosing poliodystrophy (MTDPS4A). Also called: Alpers Syndrome; ALPERS PROGRESSIVE INFANTILE POLIODYSTROPHY; ALPERS DIFFUSE DEGENERATION OF CEREBRAL GRAY MATTER WITH HEPATIC CIRRHOSIS; Alpers-Huttenlocher Syndrome; Mitochondrial DNA depletion syndrome 4A (Alpers type); Mitochondrial DNA Depletion Syndrome 4A. Identifiers: Orphanet 726, MedGen C0205710, MONDO:0008758, OMIM 203700.

Allele frequency attached by ClinVar (database versions not stated): gnomAD exomes 0.00001; TOPMed 0.00001; gnomAD 0.00002.
gnomAD v4.1: 15 of 1,613,922 alleles (0.00093%); highest among the groups gnomAD compares: African/African-American, 0.0013%; no homozygotes.

Submissions (5):

Labcorp Genetics (formerly Invitae), Labcorp
Classification: Likely benign for Progressive sclerosing poliodystrophy. Last evaluated: 2025-09-11. Review status: criteria provided, single submitter. Criteria: Invitae Variant Classification Sherloc (09022015). Collection method: clinical testing. Allele origin: germline.

Mayo Clinic Laboratories, Mayo Clinic
Classification: Likely benign. Last evaluated: 2025-03-04. Review status: criteria provided, single submitter. Criteria: ACMG Guidelines, 2015. Collection method: clinical testing. Allele origin: germline. Observed: 2 variant alleles.
Comment: BP4, BP7

CeGaT Center for Human Genetics Tuebingen
Classification: Likely benign. Last evaluated: 2023-10-01. Review status: criteria provided, single submitter. Criteria: CeGaT Center For Human Genetics Tuebingen Variant Classification Criteria Version 2. Collection method: clinical testing. Allele origin: germline. Affected: yes. Observed: 1 variant allele.
Comment: POLG: BP4, BP7

Ambry Genetics
Classification: Likely benign for Inborn genetic diseases. Last evaluated: 2017-08-02. Review status: criteria provided, single submitter. Criteria: Ambry Variant Classification Scheme 2023. Collection method: clinical testing. Allele origin: germline.

GeneDx
Classification: Benign. Last evaluated: 2015-09-10. Review status: criteria provided, single submitter. Criteria: GeneDx Variant Classification Process June 2021. Collection method: clinical testing. Allele origin: germline. Affected: yes.

NM_002693.3(POLG):c.3612T>A (p.Thr1204=)

Gene: POLG (DNA polymerase gamma, catalytic subunit; minus strand). Cytogenetic location: 15q26.1.
Variant type: single nucleotide variant.
Coding change: c.3612T>A on transcript NM_002693.3 (MANE Select); coding-DNA position 3612, T replaced by A.
Protein change: p.Thr1204=; no amino-acid change (threonine 1204 retained).
Molecular consequence: synonymous variant.
Genome position (GRCh38, 1-based): chr15:89,317,407, A>T on the plus strand (T>A on the coding strand, the complement: POLG is on the minus strand). VCF-style: chr15-89317407-A-T. GRCh37 (hg19) VCF-style: chr15-89860638-A-T.
Other names: p.Thr1204=; c.3612T>A, p.Thr1204= (NM_001126131.2).
Identifiers: ClinVar variation 1034711 (VCV001034711.34), dbSNP rs1300892439, ClinGen allele CA492070490.
Genomic context (GRCh38, chr15:89,317,407, plus strand): 5'-GTAATGAGGAACAAATGTGTTGTGCTCACCCTGGGGAATCCCGTATCTCCTTTCCATCCC[A>T]GTTGGGTTGGAAGGGGTTTTACAATCCATGGTCACTTCCTTCCTGAGGCACCGGTCAATA-3'
Protein context (NP_002684.1, residues 1194-1214): TMDCKTPSNP[Thr1204=]GMERRYGIPQ